The following is an entry in ClinVar:

ClinVar aggregate classification (germline): Conflicting classifications of pathogenicity. Review status: criteria provided, conflicting classifications (1 of 4 stars). 9 submissions from 9 submitters: Uncertain significance (6); Likely benign (3). Last evaluated 2026-06-02.

Conditions:
Spinocerebellar ataxia type 6 (SCA6). Identifiers: Orphanet 98758, MedGen C0752124, MONDO:0008457, OMIM 183086.
Developmental and epileptic encephalopathy, 42 (DEE42A). Also called: Epileptic encephalopathy, early infantile, 42; DEVELOPMENTAL AND EPILEPTIC ENCEPHALOPATHY 42A; EPILEPTIC ENCEPHALOPATHY, EARLY INFANTILE, 42A. Identifiers: MedGen C4310716, MONDO:0014917, OMIM 617106.
Episodic ataxia type 2 (EA2). Also called: ACETAZOLAMIDE-RESPONSIVE HEREDITARY PAROXYSMAL CEREBELLAR ATAXIA; ATAXIA, EPISODIC, WITH NYSTAGMUS; ATAXIA, FAMILIAL PAROXYSMAL; CEREBELLAR ATAXIA, PAROXYSMAL, ACETAZOLAMIDE-RESPONSIVE; CEREBELLOPATHY, HEREDITARY PAROXYSMAL; EPISODIC ATAXIA, NYSTAGMUS-ASSOCIATED. Identifiers: Orphanet 97, MedGen C1720416, MONDO:0007163, OMIM 108500.

Allele frequency attached by ClinVar (database versions not stated): ExAC 0.00006; gnomAD 0.00006 and 0.00004; TOPMed 0.00006; gnomAD exomes 0.00004.
gnomAD v4.1: 57 of 1,512,542 alleles (0.0038%); highest among the groups gnomAD compares: Middle Eastern, 0.019%; no homozygotes.

Submissions (9):

Women's Health and Genetics/Laboratory Corporation of America, LabCorp
Classification: Uncertain significance. Last evaluated: 2026-06-02. Review status: criteria provided, single submitter. Criteria: LabCorp Variant Classification Summary - May 2015. Collection method: clinical testing. Allele origin: germline.
Comment: Variant summary: CACNA1A c.6004C>T (p.Pro2002Ser) results in a non-conservative amino acid change in the encoded protein sequence. Algorithms developed to predict the effect of missense changes on protein structure and function are either unavailable or do not agree on the potential impact of this missense change. The variant allele was found at a frequency of 4.3e-05 in 162062 control chromosomes. The available data on variant occurrences in the general population are insufficient to allow any conclusion about variant significance. c.6004C>T has been observed in the heterozygous state in at least 2 individual(s) affected with CACNA1A-related conditions (example, Coutelier_2018, Al Anazi_2022) without strong evidence for causality. These report(s) do not provide unequivocal conclusions about association of the variant with disease. To our knowledge, no experimental evidence demonstrating an impact on protein function has been reported. The following publications have been ascertained in the context of this evaluation (PMID: 36539902, 29482223). ClinVar contains an entry for this variant (Variation ID: 451126). Based on the evidence outlined above, the variant was classified as uncertain significance.

Athena Diagnostics
Classification: Likely benign. Last evaluated: 2025-11-04. Review status: criteria provided, single submitter. Criteria: Athena Diagnostics Criteria. Collection method: clinical testing. Allele origin: unknown.
Comment: The frequency of this variant in the general population is higher than would generally be expected for pathogenic variants in this gene. Computational tools predict this amino acid change may be benign.

Labcorp Genetics (formerly Invitae), Labcorp
Classification: Likely benign for Developmental and epileptic encephalopathy, 42; Episodic ataxia type 2. Last evaluated: 2025-10-01. Review status: criteria provided, single submitter. Criteria: Invitae Variant Classification Sherloc (09022015). Collection method: clinical testing. Allele origin: germline.

Blueprint Genetics
Classification: Uncertain significance. Last evaluated: 2023-11-01. Review status: criteria provided, single submitter. Criteria: ACMG Guidelines, 2015. Collection method: clinical testing. Allele origin: germline.

CeGaT Center for Human Genetics Tuebingen
Classification: Uncertain significance. Last evaluated: 2021-06-01. Review status: criteria provided, single submitter. Criteria: CeGaT Center For Human Genetics Tuebingen Variant Classification Criteria Version 2. Collection method: clinical testing. Allele origin: germline. Affected: yes. Observed: 2 variant alleles.

GeneDx
Classification: Likely benign. Last evaluated: 2021-03-29. Review status: criteria provided, single submitter. Criteria: GeneDx Variant Classification Process June 2021. Collection method: clinical testing. Allele origin: germline. Affected: yes.
Comment: In silico analysis supports that this missense variant has a deleterious effect on protein structure/function; Has not been previously reported as pathogenic or benign to our knowledge; This variant is associated with the following publications: (PMID: 29482223)

Revvity Omics, Revvity
Classification: Uncertain significance. Last evaluated: 2021-01-20. Review status: criteria provided, single submitter. Criteria: ACMG Guidelines, 2015. Collection method: clinical testing. Allele origin: germline.

Baylor Genetics
Classification: Uncertain significance for Spinocerebellar ataxia type 6. Last evaluated: 2018-10-25. Review status: criteria provided, single submitter. Criteria: ACMG Guidelines, 2015. Collection method: clinical testing. Allele origin: maternal. Affected: yes.
Comment: This variant was determined to be of uncertain significance according to ACMG Guidelines, 2015 [PMID:25741868]. This variant has been previously reported in one patient with sensory ataxia [PMID 29482223] and also present in the general population at a low allele frequency (gnomAD database)

Eurofins Ntd Llc (ga)
Classification: Uncertain significance. Last evaluated: 2017-08-11. Review status: criteria provided, single submitter. Criteria: EGL Classification Definitions 2015. Collection method: clinical testing. Allele origin: germline. Observed: 2 variant alleles, 2 heterozygotes.

Literature cited by the submitters: PubMed 29482223 (cited by 3 submitters); PubMed 36539902 (cited by Women's Health and Genetics/Laboratory Corporation of America, LabCorp).

NM_001127222.2(CACNA1A):c.6001C>T (p.Pro2001Ser)

Gene: CACNA1A (calcium voltage-gated channel subunit alpha1 A; minus strand). Cytogenetic location: 19p13.13.
Variant type: single nucleotide variant.
Coding change: c.6001C>T on transcript NM_001127222.2 (MANE Select); coding-DNA position 6001, C replaced by T.
Protein change: p.Pro2001Ser; replaces proline 2001 with serine.
Molecular consequence: missense variant.
Genome position (GRCh38, 1-based): chr19:13,212,680, G>A on the plus strand (C>T on the coding strand, the complement: CACNA1A is on the minus strand). VCF-style: chr19-13212680-G-A. GRCh37 (hg19) VCF-style: chr19-13323494-G-A.
Other names: c.6004C>T (NM_000068.2); c.6019C>T, p.Pro2007Ser (NM_000068.4, NM_023035.3); c.6004C>T, p.Pro2002Ser (NM_001127221.2); c.6010C>T, p.Pro2004Ser (NM_001174080.2); short protein forms P2002S, P2001S, P2004S, P2007S.
Identifiers: ClinVar variation 451126 (VCV000451126.63), dbSNP rs751947412, ClinGen allele CA9239507.